The following is an entry in ClinVar:

NM_152564.5(VPS13B):c.6524G>T (p.Arg2175Ile)

Gene: VPS13B (vacuolar protein sorting 13 homolog B; plus strand). Cytogenetic location: 8q22.2.
Variant type: single nucleotide variant.
Coding change: c.6524G>T on transcript NM_152564.5 (MANE Select); coding-DNA position 6524, G replaced by T.
Protein change: p.Arg2175Ile; replaces arginine 2175 with isoleucine.
Molecular consequence: missense variant.
Genome position (GRCh38, 1-based): chr8:99,717,240, G>T. VCF-style: chr8-99717240-G-T. GRCh37 (hg19) VCF-style: chr8-100729468-G-T.
Other names: c.6599G>T, p.Arg2200Ile (NM_017890.5); short protein forms R2200I, R2175I.
Identifiers: ClinVar variation 1463018 (VCV001463018.3), dbSNP rs543464415, ClinGen allele CA371867224.

ClinVar aggregate classification (germline): Uncertain significance (1 of 4 stars; one submission).

Conditions:
Cohen syndrome (COH1). Also called: PEPPER SYNDROME; Cutis verticis gyrata, retinitis pigmentosa, and sensorineural deafness. Identifiers: Orphanet 193, MedGen C0265223, MONDO:0008999, OMIM 216550.

Allele frequency attached by ClinVar (database versions not stated): gnomAD exomes below 0.00001.
gnomAD v4.1: 1 of 1,613,870 alleles (0.000062%); highest among the groups gnomAD compares: South Asian, 0.0011%; no homozygotes.

Submission:

Labcorp Genetics (formerly Invitae), Labcorp
Classification: Uncertain significance for Cohen syndrome. Last evaluated: 2021-09-15. Review status: criteria provided, single submitter. Criteria: Invitae Variant Classification Sherloc (09022015). Collection method: clinical testing. Allele origin: germline.
Comment: This sequence change replaces arginine with isoleucine at codon 2200 of the VPS13B protein (p.Arg2200Ile). The arginine residue is moderately conserved and there is a moderate physicochemical difference between arginine and isoleucine. This variant is not present in population databases (ExAC no frequency). This variant has not been reported in the literature in individuals affected with VPS13B-related conditions. Algorithms developed to predict the effect of missense changes on protein structure and function are either unavailable or do not agree on the potential impact of this missense change (SIFT: "Not Available"; PolyPhen-2: "Benign"; Align-GVGD: "Not Available"). In summary, the available evidence is currently insufficient to determine the role of this variant in disease. Therefore, it has been classified as a Variant of Uncertain Significance.